The following is an entry in ClinVar:

NC_012920.1(MT-ND2):m.4924G>C

Gene: MT-ND2 (mitochondrially encoded NADH dehydrogenase 2; plus strand).
Variant type: single nucleotide variant.
Genome position: chrM-4924-G-C.
Identifiers: ClinVar variation 692519 (VCV000692519.1), dbSNP rs386828956, ClinGen allele CA337096992.
Genomic context (GRCh38, chrMT:4,924, plus strand): 5'-CATGACAAAAACTAGCCCCCATCTCAATCATATACCAAATCTCTCCCTCACTAAACGTAA[G>C]CCTTCTCCTCACTCTCTCAATCTTATCCATCATAGCAGGCAGTTGAGGTGGATTAAACCA-3'

ClinVar aggregate classification (germline): Likely benign (1 of 4 stars; one submission).

Conditions:
Leigh syndrome (NULS). Also called: Leigh's necrotizing encephalopathy; Leigh's disease; Leigh Syndrome (mtDNA deletion); Leigh Disease; Subacute necrotizing encephalopathy; Necrotizing encephalopathy infantile subacute of Leigh. Identifiers: Orphanet 506, MedGen C2931891, MONDO:0009723, OMIM 256000.

Submission:

Wong Mito Lab, Molecular and Human Genetics, Baylor College of Medicine
Classification: Likely benign for Leigh syndrome. Last evaluated: 2019-10-17. Review status: criteria provided, single submitter. Criteria: Modified ACMG Guidelines (Unpublished). Collection method: clinical testing. Allele origin: germline.
Comment: The NC_012920.1:m.4924G>C (YP_003024027.1:p.Ser152Thr) variant in MTND2 gene is interpretated to be a Likely Benign variant based on the modified ACMG guidelines (unpublished). This variant meets the following evidence codes: BS1, BP4